The following is an entry in ClinVar:

NM_006623.4(PHGDH):c.945+1G>A

Gene: PHGDH (phosphoglycerate dehydrogenase; plus strand). Cytogenetic location: 1p12.
Variant type: single nucleotide variant.
Coding change: c.945+1G>A on transcript NM_006623.4 (MANE Select); the canonical splice donor site of the intron after coding-DNA position 945, G replaced by A.
Molecular consequence: splice donor variant.
Genome position (GRCh38, 1-based): chr1:119,737,267, G>A. VCF-style: chr1-119737267-G-A. GRCh37 (hg19) VCF-style: chr1-120279890-G-A.
Identifiers: ClinVar variation 1500650 (VCV001500650.8), dbSNP rs758517215, ClinGen allele CA1037300.

ClinVar aggregate classification (germline): Likely pathogenic (1 of 4 stars; one submission).

Conditions:
PHGDH deficiency. Identifiers: Orphanet 79351, MedGen C1866174, MONDO:0011152, OMIM 601815.

Allele frequency attached by ClinVar (database versions not stated): ExAC 0.00001.
gnomAD v4.1: 12 of 1,612,266 alleles (0.00074%); highest among the groups gnomAD compares: Non-Finnish European, 0.001%; no homozygotes.

Submission:

Labcorp Genetics (formerly Invitae), Labcorp
Classification: Likely pathogenic for PHGDH deficiency. Last evaluated: 2023-05-11. Review status: criteria provided, single submitter. Criteria: Invitae Variant Classification Sherloc (09022015). Collection method: clinical testing. Allele origin: germline.
Comment: In summary, the currently available evidence indicates that the variant is pathogenic, but additional data are needed to prove that conclusively. Therefore, this variant has been classified as Likely Pathogenic. This variant is not present in population databases (gnomAD no frequency). This sequence change affects a donor splice site in intron 8 of the PHGDH gene. It is expected to disrupt RNA splicing. Variants that disrupt the donor or acceptor splice site typically lead to a loss of protein function (PMID: 16199547), and loss-of-function variants in PHGDH are known to be pathogenic (PMID: 14645240, 24836451). This variant has not been reported in the literature in individuals affected with PHGDH-related conditions. ClinVar contains an entry for this variant (Variation ID: 1500650). Algorithms developed to predict the effect of sequence changes on RNA splicing suggest that this variant may disrupt the consensus splice site.

Literature cited by the submitters: PubMed 16199547; PubMed 14645240; PubMed 24836451.